The following is an entry in ClinVar:

NM_000081.4(LYST):c.5214+5G>C

Gene: LYST (lysosomal trafficking regulator; minus strand). Cytogenetic location: 1q42.3.
Variant type: single nucleotide variant.
Coding change: c.5214+5G>C on transcript NM_000081.4 (MANE Select); 5 bases into the intron after coding-DNA position 5214, G replaced by C.
Molecular consequence: intron variant.
Genome position (GRCh38, 1-based): chr1:235,780,860, C>G on the plus strand (G>C on the coding strand, the complement: LYST is on the minus strand). VCF-style: chr1-235780860-C-G. GRCh37 (hg19) VCF-style: chr1-235944160-C-G.
Other names: c.5214+5G>C (NM_001301365.1).
Identifiers: ClinVar variation 2087760 (VCV002087760.4), dbSNP rs2528030212, ClinGen allele CA2580062412.

ClinVar aggregate classification (germline): Uncertain significance (1 of 4 stars; one submission).

Conditions:
Chédiak-Higashi syndrome (CHS). Also called: Chediak-Higashi Syndrome. Identifiers: Orphanet 167, MedGen C0007965, MONDO:0008963, OMIM 214500.

Submission:

Labcorp Genetics (formerly Invitae), Labcorp
Classification: Uncertain significance for Chédiak-Higashi syndrome. Last evaluated: 2024-02-19. Review status: criteria provided, single submitter. Criteria: Invitae Variant Classification Sherloc (09022015). Collection method: clinical testing. Allele origin: germline.
Comment: This sequence change falls in intron 16 of the LYST gene. It does not directly change the encoded amino acid sequence of the LYST protein. It affects a nucleotide within the consensus splice site. This variant is not present in population databases (gnomAD no frequency). This variant has not been reported in the literature in individuals affected with LYST-related conditions. ClinVar contains an entry for this variant (Variation ID: 2087760). Variants that disrupt the consensus splice site are a relatively common cause of aberrant splicing (PMID: 17576681, 9536098). Algorithms developed to predict the effect of sequence changes on RNA splicing suggest that this variant may disrupt the consensus splice site. In summary, the available evidence is currently insufficient to determine the role of this variant in disease. Therefore, it has been classified as a Variant of Uncertain Significance.

Literature cited by the submitters: PubMed 17576681; PubMed 9536098.